The following is an entry in ClinVar:

ClinVar aggregate classification (germline): Conflicting classifications of pathogenicity. Review status: criteria provided, conflicting classifications (1 of 4 stars). 6 submissions from 6 submitters: Uncertain significance (1); Likely benign (5). Last evaluated 2026-03-09.

Conditions:
TTN-related disorder. Also called: TTN-related condition; TTN-related disease; TTN-related disorders.
Cardiovascular phenotype. Identifiers: MedGen CN230736.
Autosomal recessive limb-girdle muscular dystrophy type 2J (LGMDR10). Also called: Limb-girdle muscular dystrophy, type 2J; MUSCULAR DYSTROPHY, LIMB-GIRDLE, AUTOSOMAL RECESSIVE 10. Identifiers: Orphanet 140922, MedGen C1837342, MONDO:0012127, OMIM 608807.
Dilated cardiomyopathy 1G (CMD1G). Identifiers: Orphanet 154, MedGen C1858763, MONDO:0011400, OMIM 604145.

Allele frequency attached by ClinVar (database versions not stated): ExAC 0.00002; gnomAD exomes 0.00002 and 0.00004; TOPMed 0.00003.

Submissions (6):

PreventionGenetics, part of Exact Sciences
Classification: Likely benign for TTN-related condition. Last evaluated: 2026-03-09. Review status: criteria provided, single submitter. Criteria: ACMG Guidelines, 2015. Collection method: clinical testing. Allele origin: germline.
Comment: This variant is classified as likely benign based on ACMG/AMP sequence variant interpretation guidelines (Richards et al. 2015 PMID: 25741868, with internal and published modifications).

Labcorp Genetics (formerly Invitae), Labcorp
Classification: Likely benign for Dilated cardiomyopathy 1G; Autosomal recessive limb-girdle muscular dystrophy type 2J. Last evaluated: 2025-11-28. Review status: criteria provided, single submitter. Criteria: Invitae Variant Classification Sherloc (09022015). Collection method: clinical testing. Allele origin: germline.

Blueprint Genetics
Classification: Likely benign. Last evaluated: 2024-07-12. Review status: criteria provided, single submitter. Criteria: ACMG Guidelines, 2015. Collection method: clinical testing. Allele origin: germline.

Ambry Genetics
Classification: Likely benign for Cardiovascular phenotype. Last evaluated: 2020-02-14. Review status: criteria provided, single submitter. Criteria: Ambry Variant Classification Scheme 2023. Collection method: clinical testing. Allele origin: germline.

Eurofins Ntd Llc (ga)
Classification: Uncertain significance. Last evaluated: 2018-02-15. Review status: criteria provided, single submitter. Criteria: EGL ClinVar v180209 classification definitions. Collection method: clinical testing. Allele origin: germline. Observed: 1 variant allele, 1 heterozygote.

Laboratory for Molecular Medicine, Mass General Brigham Personalized Medicine
Classification: Likely benign. Last evaluated: 2011-12-12. Review status: criteria provided, single submitter. Criteria: LMM Criteria. Collection method: clinical testing. Allele origin: germline. Observed: 1 variant allele.
Comment: Pro18799Pro in exon 257 of TTN: This variant is not expected to have clinical si gnificance because it does not change an amino acid and does not affect the spli ce consensus sequence. Pro18799Pro in exon 257 of TTN (allele frequency = n/a).

NM_001267550.2(TTN):c.64101G>A (p.Pro21367=)

Genes: TTN (titin; minus strand), TTN-AS1 (TTN antisense RNA 1; plus strand). Cytogenetic location: 2q31.2.
Variant type: single nucleotide variant.
Coding change: c.64101G>A on transcript NM_001267550.2 (MANE Select); coding-DNA position 64101, G replaced by A.
Protein change: p.Pro21367=; no amino-acid change (proline 21367 retained).
Molecular consequence: synonymous variant.
Genome position (GRCh38, 1-based): chr2:178,586,800, C>T on the plus strand (G>A on the coding strand, the complement: TTN is on the minus strand). VCF-style: chr2-178586800-C-T. GRCh37 (hg19) VCF-style: chr2-179451527-C-T.
Other names: c.56397G>A, p.Pro18799= (NM_133378.4); c.59178G>A, p.Pro19726= (NM_001256850.1); c.36906G>A, p.Pro12302= (NM_003319.4); c.37281G>A, p.Pro12427= (NM_133432.3); c.37482G>A, p.Pro12494= (NM_133437.4).
Identifiers: ClinVar variation 47206 (VCV000047206.23), dbSNP rs397517657, ClinGen allele CA140326.